The following is an entry in ClinVar:

NM_001190274.2(FBXO11):c.1921-7A>G

Gene: FBXO11 (F-box protein 11; minus strand). Cytogenetic location: 2p16.3.
Variant type: single nucleotide variant.
Coding change: c.1921-7A>G on transcript NM_001190274.2 (MANE Select); 7 bases into the intron before coding-DNA position 1921, A replaced by G.
Molecular consequence: intron variant.
Genome position (GRCh38, 1-based): chr2:47,818,871, T>C on the plus strand (A>G on the coding strand, the complement: FBXO11 is on the minus strand). VCF-style: chr2-47818871-T-C. GRCh37 (hg19) VCF-style: chr2-48046010-T-C.
Other names: c.1669-7A>G (NM_001374325.1, NM_025133.4).
Identifiers: ClinVar variation 2502361 (VCV002502361.2), dbSNP rs1271945880, ClinGen allele CA2580611631.

ClinVar aggregate classification (germline): Uncertain significance (1 of 4 stars; one submission).

Conditions:
Intellectual developmental disorder with dysmorphic facies and behavioral abnormalities. Identifiers: MedGen C4748135, MONDO:0060760, OMIM 618089.

Submission:

Institute of Human Genetics, University of Leipzig Medical Center
Classification: Uncertain significance for Intellectual developmental disorder with dysmorphic facies and behavioral abnormalities. Last evaluated: 2023-05-02. Review status: criteria provided, single submitter. Criteria: ACMG Guidelines, 2015. Collection method: clinical testing. Allele origin: de novo. Inheritance: Autosomal dominant inheritance. Affected: yes.
Comment: Criteria applied: PS2_MOD,PM2,PP3